The following is an entry in ClinVar:

ClinVar aggregate classification (germline): Likely benign (1 of 4 stars; one submission).

Submission:

Women's Health and Genetics/Laboratory Corporation of America, LabCorp
Classification: Likely benign. Last evaluated: 2024-07-12. Review status: criteria provided, single submitter. Criteria: LabCorp Variant Classification Summary - May 2015. Collection method: clinical testing. Allele origin: germline.
Comment: Variant summary: MTOR c.1854C>T alters a conserved nucleotide resulting in a synonymous change. Consensus agreement among computation tools predict no significant impact on normal splicing. However, these predictions have yet to be confirmed by functional studies. The variant was absent in 251400 control chromosomes. The available data on variant occurrences in the general population are insufficient to allow any conclusion about variant significance. To our knowledge, no occurrence of c.1854C>T in individuals affected with Smith-Kingsmore Syndrome and no experimental evidence demonstrating its impact on protein function have been reported. ClinVar contains an entry for a variant with a different nucleotide change resulting in the same synonymous change as the variant (Variation ID: 696736). Based on the evidence outlined above, the variant was classified as likely benign.

NM_004958.4(MTOR):c.1854C>T (p.Ile618=)

Gene: MTOR (mechanistic target of rapamycin kinase; minus strand). Cytogenetic location: 1p36.22.
Variant type: single nucleotide variant.
Coding change: c.1854C>T on transcript NM_004958.4 (MANE Select); coding-DNA position 1854, C replaced by T.
Protein change: p.Ile618=; no amino-acid change (isoleucine 618 retained).
Molecular consequence: synonymous variant.
Genome position (GRCh38, 1-based): chr1:11,238,550, G>A on the plus strand (C>T on the coding strand, the complement: MTOR is on the minus strand). VCF-style: chr1-11238550-G-A. GRCh37 (hg19) VCF-style: chr1-11298607-G-A.
Other names: c.1854C>T, p.Ile618= (NM_001386500.1); c.606C>T, p.Ile202= (NM_001386501.1).
Identifiers: ClinVar variation 3338908 (VCV003338908.1).